The following is an entry in ClinVar:

ClinVar aggregate classification (germline): Uncertain significance. Review status: criteria provided, multiple submitters, no conflicts (2 of 4 stars). 2 submissions from 2 submitters: Uncertain significance (2). Last evaluated 2025-08-12.

Conditions:
Inborn genetic diseases. Identifiers: MedGen C0950123, MeSH D030342.
Epidermolysis bullosa simplex 5B, with muscular dystrophy (EBS5B). Also called: Epidermolysis bullosa simplex with muscular dystrophy; EPIDERMOLYSIS BULLOSA SIMPLEX AND LIMB-GIRDLE MUSCULAR DYSTROPHY. Identifiers: Orphanet 257, MedGen C2931072, MONDO:0009181, OMIM 226670.
Epidermolysis bullosa simplex, Ogna type (EBS5A). Also called: EPIDERMOLYSIS BULLOSA SIMPLEX 5A, OGNA TYPE; Pidermolysis bullosa simplex 5A, Ogna type. Identifiers: Orphanet 79401, MedGen C0432317, MONDO:0007555, OMIM 131950.
Epidermolysis bullosa simplex 5C, with pyloric atresia (EBS5C). Also called: PLEC-Related Epidermolysis Bullosa with Pyloric Atresia; Epidermolysis bullosa simplex with pyloric atresia; PLEC1-Related Epidermolysis Bullosa with Pyloric Atresia. Identifiers: Orphanet 158684, MedGen C2677349, MONDO:0012807, OMIM 612138.
Autosomal recessive limb-girdle muscular dystrophy type 2Q (LGMDR17). Also called: MUSCULAR DYSTROPHY, LIMB-GIRDLE, AUTOSOMAL RECESSIVE 17. Identifiers: Orphanet 254361, MedGen C3150989, MONDO:0013390, OMIM 613723.
Epidermolysis bullosa simplex with nail dystrophy (EBS5D). Identifiers: MedGen C4225309, MONDO:0014661, OMIM 616487.

gnomAD v4.1: 6 of 1,610,622 alleles (0.00037%); highest among the groups gnomAD compares: African/African-American, 0.0067%; no homozygotes.

Submissions (2):

Labcorp Genetics (formerly Invitae), Labcorp
Classification: Uncertain significance for Autosomal recessive limb-girdle muscular dystrophy type 2Q; Epidermolysis bullosa simplex, Ogna type; Epidermolysis bullosa simplex with nail dystrophy; Epidermolysis bullosa simplex 5C, with pyloric atresia; Epidermolysis bullosa simplex 5B, with muscular dystrophy. Last evaluated: 2025-08-12. Review status: criteria provided, single submitter. Criteria: Invitae Variant Classification Sherloc (09022015). Collection method: clinical testing. Allele origin: germline.
Comment: This sequence change replaces arginine, which is basic and polar, with leucine, which is neutral and non-polar, at codon 934 of the PLEC protein (p.Arg934Leu). This variant is present in population databases (no rsID available, gnomAD 0.004%). This variant has not been reported in the literature in individuals affected with PLEC-related conditions. ClinVar contains an entry for this variant (Variation ID: 2364388). Invitae Evidence Modeling of protein sequence and biophysical properties (such as structural, functional, and spatial information, amino acid conservation, physicochemical variation, residue mobility, and thermodynamic stability) indicates that this missense variant is not expected to disrupt PLEC protein function with a negative predictive value of 80%. In summary, the available evidence is currently insufficient to determine the role of this variant in disease. Therefore, it has been classified as a Variant of Uncertain Significance.

Ambry Genetics
Classification: Uncertain significance for Inborn genetic diseases. Last evaluated: 2022-02-03. Review status: criteria provided, single submitter. Criteria: Ambry Variant Classification Scheme 2023. Collection method: clinical testing. Allele origin: germline.

NM_201384.3(PLEC):c.2720G>T (p.Arg907Leu)

Gene: PLEC (plectin; minus strand). Cytogenetic location: 8q24.3.
Variant type: single nucleotide variant.
Coding change: c.2720G>T on transcript NM_201384.3 (MANE Select); coding-DNA position 2720, G replaced by T.
Protein change: p.Arg907Leu; replaces arginine 907 with leucine.
Molecular consequence: missense variant.
Genome position (GRCh38, 1-based): chr8:143,929,955, C>A on the plus strand (G>T on the coding strand, the complement: PLEC is on the minus strand). VCF-style: chr8-143929955-C-A. GRCh37 (hg19) VCF-style: chr8-145004123-C-A.
Other names: c.2801G>T, p.Arg934Leu (NM_000445.5, NM_001410941.1); c.2654G>T, p.Arg885Leu (NM_201379.3); c.3131G>T, p.Arg1044Leu (NM_201380.4); c.2732G>T, p.Arg911Leu (NM_201383.3); c.2678G>T, p.Arg893Leu (NM_201378.4); c.2624G>T, p.Arg875Leu (NM_201381.3); c.2720G>T, p.Arg907Leu (NM_201382.4); short protein forms R1044L, R885L, R907L, R875L, R911L, R893L, R934L.
Identifiers: ClinVar variation 2364388 (VCV002364388.5), dbSNP rs374310349, ClinGen allele CA187619223.